The following is an entry in ClinVar:

NM_000169.3(GLA):c.983G>T (p.Gly328Val)

Genes: RPL36A-HNRNPH2 (RPL36A-HNRNPH2 readthrough; plus strand), GLA (galactosidase alpha; minus strand). Cytogenetic location: Xq22.1.
Variant type: single nucleotide variant.
Coding change: c.983G>T on transcript NM_000169.3 (MANE Select); coding-DNA position 983, G replaced by T.
Protein change: p.Gly328Val; replaces glycine 328 with valine.
Molecular consequence: missense variant. On other transcripts: non-coding transcript variant (3), intron variant (2).
Genome position (GRCh38, 1-based): chrX:101,398,386, C>A on the plus strand (G>T on the coding strand, the complement: GLA is on the minus strand). VCF-style: chrX-101398386-C-A. GRCh37 (hg19) VCF-style: chrX-100653374-C-A.
Other names: c.1106G>T, p.Gly369Val (NM_001406747.1); c.983G>T, p.Gly328Val (NM_001406748.1); c.300+2929C>A (NM_001199973.2); c.177+6564C>A (NM_001199974.2); short protein forms G328V, G369V.
Identifiers: ClinVar variation 1324469 (VCV001324469.29), dbSNP rs28935492, ClinGen allele CA352350.

ClinVar aggregate classification (germline): Pathogenic/Likely pathogenic. Review status: criteria provided, multiple submitters, no conflicts (2 of 4 stars). 4 submissions from 4 submitters: Pathogenic (2); Likely pathogenic (2). Last evaluated 2026-09-08.

Conditions:
Fabry disease. Also called: GLA DEFICIENCY; HEREDITARY DYSTOPIC LIPIDOSIS; ALPHA-GALACTOSIDASE A DEFICIENCY; ANDERSON-FABRY DISEASE; CERAMIDE TRIHEXOSIDASE DEFICIENCY; Angiokeratoma corporis diffusum. Identifiers: Orphanet 324, MedGen C0002986, MONDO:0010526, OMIM 301500, HP:0001071. Disease mechanism: loss of function, Fabry disease is due to inactivating mutations in the X-linked GLA gene resulting in deficiency of the enzyme Alpha Galactosidase-A..

Submissions (4):

Genomenon, Inc
Classification: Pathogenic for Fabry disease. Last evaluated: 2026-09-08. Review status: criteria provided, single submitter. Criteria: Genomenon Sequence Variant Interpretation Standards - Updated. Collection method: curation. Allele origin: germline. Affected: yes.
Comment: GLA p.Gly328Val (c.983G>T) is a missense variant that changes the amino acid at codon 328 from Glycine to Valine. This variant has been observed in at least one proband with clinical features consistent with Fabry disease (PMID:37940383;33437642;38940325;17224688;28360401;16595074). The variant was found to segregate with disease in at least one affected family (PMID:33437642). At least one functional study has demonstrated a substantial alteration in protein function relative to the wild-type (PMID:27657681). It is absent or not present at a significant frequency in gnomAD. In silico models predict that this variant is possibly or probably damaging. In conclusion, we classify GLA p.Gly328Val (c.983G>T) as a pathogenic variant.

CeGaT Center for Human Genetics Tuebingen
Classification: Pathogenic. Last evaluated: 2023-12-01. Review status: criteria provided, single submitter. Criteria: CeGaT Center For Human Genetics Tuebingen Variant Classification Criteria Version 2. Collection method: clinical testing. Allele origin: germline. Affected: yes. Observed: 1 variant allele.
Comment: GLA: PM1, PM2, PM5, PS4:Moderate, PP1, PP4

AiLife Diagnostics
Classification: Likely pathogenic. Last evaluated: 2021-09-29. Review status: criteria provided, single submitter. Criteria: ACMG Guidelines, 2015. Collection method: clinical testing. Allele origin: germline. Affected: yes. Observed: 1 variant allele.

Revvity Omics, Revvity
Classification: Likely pathogenic. Last evaluated: 2020-02-07. Review status: criteria provided, single submitter. Criteria: ACMG Guidelines, 2015. Collection method: clinical testing. Allele origin: germline.

Literature cited by the submitters: PubMed 37940383 (cited by Genomenon, Inc); PubMed 33437642 (cited by Genomenon, Inc and AiLife Diagnostics); PubMed 38940325 (cited by Genomenon, Inc); PubMed 17224688 (cited by Genomenon, Inc); PubMed 28360401 (cited by Genomenon, Inc); PubMed 16595074 (cited by Genomenon, Inc); PubMed 27657681 (cited by Genomenon, Inc); PubMed 15712228 (cited by AiLife Diagnostics); PubMed 25382311 (cited by AiLife Diagnostics); PubMed 24386359 (cited by AiLife Diagnostics).